The following is an entry in ClinVar:

ClinVar aggregate classification (germline): Pathogenic/Likely pathogenic. Review status: criteria provided, multiple submitters, no conflicts (2 of 4 stars). 2 submissions from 2 submitters: Pathogenic (1); Likely pathogenic (1). Last evaluated 2025-01-27.

Conditions:
Early-infantile DEE. Also called: Ohtahara syndrome; Early infantile epileptic encephalopathy with suppression bursts; Early infantile epileptic encephalopathy. Identifiers: Orphanet 1934, MedGen C0393706, MONDO:0800491.

Submissions (2):

Athena Diagnostics
Classification: Likely pathogenic. Last evaluated: 2025-01-27. Review status: criteria provided, single submitter. Criteria: Athena Diagnostics Criteria. Collection method: clinical testing. Allele origin: unknown.
Comment: This variant has not been reported in large, multi-ethnic general populations. This variant has been identified de novo in at least one individual with clinical features associated with autosomal dominant generalized epilepsy. Polyphen and MutationTaster predict this amino acid change may be damaging to the protein.

Labcorp Genetics (formerly Invitae), Labcorp
Classification: Pathogenic for Early-infantile DEE. Last evaluated: 2023-06-14. Review status: criteria provided, single submitter. Criteria: Invitae Variant Classification Sherloc (09022015). Collection method: clinical testing. Allele origin: germline.
Comment: For these reasons, this variant has been classified as Pathogenic. Advanced modeling of protein sequence and biophysical properties (such as structural, functional, and spatial information, amino acid conservation, physicochemical variation, residue mobility, and thermodynamic stability) performed at Invitae indicates that this missense variant is expected to disrupt SCN1A protein function. This missense change has been observed in individual(s) with SCN1A-related conditions (Invitae). In at least one individual the variant was observed to be de novo. This variant is not present in population databases (gnomAD no frequency). This sequence change replaces isoleucine, which is neutral and non-polar, with asparagine, which is neutral and polar, at codon 173 of the SCN1A protein (p.Ile173Asn).

NM_001165963.4(SCN1A):c.518T>A (p.Ile173Asn)

Gene: SCN1A (sodium voltage-gated channel alpha subunit 1; minus strand). Cytogenetic location: 2q24.3.
Variant type: single nucleotide variant.
Coding change: c.518T>A on transcript NM_001165963.4 (MANE Select); coding-DNA position 518, T replaced by A.
Protein change: p.Ile173Asn; replaces isoleucine 173 with asparagine.
Molecular consequence: missense variant. On other transcripts: 5 prime UTR variant (1), non-coding transcript variant (1).
Genome position (GRCh38, 1-based): chr2:166,054,722, A>T on the plus strand (T>A on the coding strand, the complement: SCN1A is on the minus strand). VCF-style: chr2-166054722-A-T. GRCh37 (hg19) VCF-style: chr2-166911232-A-T.
Other names: c.518T>A, p.Ile173Asn (NM_001165964.3, NM_001202435.3, NM_001353948.2 and 10 more transcripts); c.-1908T>A (NM_001353961.2); c.518T>A (NM_001202435.1); short protein forms I173N.
Identifiers: ClinVar variation 2855720 (VCV002855720.4), dbSNP rs2468247370, ClinGen allele CA349075577.